The following is an entry in ClinVar:

ClinVar aggregate classification (germline): Likely benign. Review status: criteria provided, multiple submitters, no conflicts (2 of 4 stars). 2 submissions from 2 submitters: Likely benign (2). Last evaluated 2026-02-16.

Conditions:
KBG syndrome (KBGS). Also called: ANKRD11-Related KBG Syndrome. Identifiers: Orphanet 2332, MedGen C0220687, MONDO:0007846, OMIM 148050.
ANKRD11-related disorder. Also called: ANKRD11-related condition.

Allele frequency attached by ClinVar (database versions not stated): TOPMed 0.00002.
gnomAD v4.1: 2 of 1,613,992 alleles (0.00012%); highest among the groups gnomAD compares: African/African-American, 0.0013%; no homozygotes.

Submissions (2):

PreventionGenetics, part of Exact Sciences
Classification: Likely benign for ANKRD11-related condition. Last evaluated: 2026-02-16. Review status: criteria provided, single submitter. Criteria: ACMG Guidelines, 2015. Collection method: clinical testing. Allele origin: germline.
Comment: This variant is classified as likely benign based on ACMG/AMP sequence variant interpretation guidelines (Richards et al. 2015 PMID: 25741868, with internal and published modifications).

Labcorp Genetics (formerly Invitae), Labcorp
Classification: Likely benign for KBG syndrome. Last evaluated: 2025-04-07. Review status: criteria provided, single submitter. Criteria: Invitae Variant Classification Sherloc (09022015). Collection method: clinical testing. Allele origin: germline.

NM_013275.6(ANKRD11):c.2580G>T (p.Ser860=)

Gene: ANKRD11 (ankyrin repeat domain 11; minus strand). Cytogenetic location: 16q24.3.
Variant type: single nucleotide variant.
Coding change: c.2580G>T on transcript NM_013275.6 (MANE Select); coding-DNA position 2580, G replaced by T.
Protein change: p.Ser860=; no amino-acid change (serine 860 retained).
Molecular consequence: synonymous variant.
Genome position (GRCh38, 1-based): chr16:89,283,962, C>A on the plus strand (G>T on the coding strand, the complement: ANKRD11 is on the minus strand). VCF-style: chr16-89283962-C-A. GRCh37 (hg19) VCF-style: chr16-89350370-C-A.
Other names: c.2580G>T, p.Ser860= (NM_001256182.2, NM_001256183.2).
Identifiers: ClinVar variation 726861 (VCV000726861.7), dbSNP rs777920007, ClinGen allele CA497375243.